The following is an entry in ClinVar:

NM_001042472.3(ABHD12):c.556C>T (p.Arg186Cys)

Gene: ABHD12 (abhydrolase domain containing 12, lysophospholipase; minus strand). Cytogenetic location: 20p11.21.
Variant type: single nucleotide variant.
Coding change: c.556C>T on transcript NM_001042472.3 (MANE Select); coding-DNA position 556, C replaced by T.
Protein change: p.Arg186Cys; replaces arginine 186 with cysteine.
Molecular consequence: missense variant.
Genome position (GRCh38, 1-based): chr20:25,317,065, G>A on the plus strand (C>T on the coding strand, the complement: ABHD12 is on the minus strand). VCF-style: chr20-25317065-G-A. GRCh37 (hg19) VCF-style: chr20-25297701-G-A.
Other names: c.556C>T, p.Arg186Cys (NM_015600.5); c.556C>T (NM_001042472.2); short protein forms R186C.
Identifiers: ClinVar variation 1021722 (VCV001021722.7), dbSNP rs762166044, ClinGen allele CA9796098.

ClinVar aggregate classification (germline): Uncertain significance. Review status: criteria provided, multiple submitters, no conflicts (2 of 4 stars). 2 submissions from 2 submitters: Uncertain significance (2). Last evaluated 2025-04-20.

Conditions:
Inborn genetic diseases. Identifiers: MedGen C0950123, MeSH D030342.

Allele frequency attached by ClinVar (database versions not stated): gnomAD 0.00001; ExAC 0.00002; TOPMed 0.00001; gnomAD exomes 0.00001.
gnomAD v4.1: 26 of 1,612,446 alleles (0.0016%); highest among the groups gnomAD compares: East Asian, 0.0067%; no homozygotes.

Submissions (2):

Ambry Genetics
Classification: Uncertain significance for Inborn genetic diseases. Last evaluated: 2025-04-20. Review status: criteria provided, single submitter. Criteria: Ambry Variant Classification Scheme 2023. Collection method: clinical testing. Allele origin: germline.

Labcorp Genetics (formerly Invitae), Labcorp
Classification: Uncertain significance. Last evaluated: 2021-08-30. Review status: criteria provided, single submitter. Criteria: Invitae Variant Classification Sherloc (09022015). Collection method: clinical testing. Allele origin: germline.
Comment: This sequence change replaces arginine with cysteine at codon 186 of the ABHD12 protein (p.Arg186Cys). The arginine residue is highly conserved and there is a large physicochemical difference between arginine and cysteine. This variant is present in population databases (rs762166044, ExAC 0.01%). This variant has not been reported in the literature in individuals affected with ABHD12-related conditions. Algorithms developed to predict the effect of missense changes on protein structure and function are either unavailable or do not agree on the potential impact of this missense change (SIFT: "Deleterious"; PolyPhen-2: "Probably Damaging"; Align-GVGD: "Class C0"). In summary, the available evidence is currently insufficient to determine the role of this variant in disease. Therefore, it has been classified as a Variant of Uncertain Significance.